The following is an entry in ClinVar:

ClinVar aggregate classification (germline): Uncertain significance (1 of 4 stars; one submission).

Conditions:
Neuropathy, hereditary sensory, type 1F. Also called: HSN IF; Hereditary sensory neuropathy type IF. Identifiers: Orphanet 36386, MedGen C3810194, MONDO:0014286, OMIM 615632.

Allele frequency attached by ClinVar (database versions not stated): gnomAD exomes below 0.00001 and 0.00001; TOPMed below 0.00001; gnomAD 0.00001 and 0.00002; ExAC 0.00002.
gnomAD v4.1: 7 of 1,602,356 alleles (0.00044%); highest among the groups gnomAD compares: South Asian, 0.0011%; no homozygotes.

Submission:

Labcorp Genetics (formerly Invitae), Labcorp
Classification: Uncertain significance for Neuropathy, hereditary sensory, type 1F. Last evaluated: 2024-05-29. Review status: criteria provided, single submitter. Criteria: Invitae Variant Classification Sherloc (09022015). Collection method: clinical testing. Allele origin: germline.
Comment: This sequence change replaces tyrosine, which is neutral and polar, with histidine, which is basic and polar, at codon 172 of the ATL3 protein (p.Tyr172His). This variant is present in population databases (rs765020653, gnomAD 0.0009%). This variant has not been reported in the literature in individuals affected with ATL3-related conditions. ClinVar contains an entry for this variant (Variation ID: 1409290). Advanced modeling of protein sequence and biophysical properties (such as structural, functional, and spatial information, amino acid conservation, physicochemical variation, residue mobility, and thermodynamic stability) performed at Invitae indicates that this missense variant is expected to disrupt ATL3 protein function with a positive predictive value of 80%. In summary, the available evidence is currently insufficient to determine the role of this variant in disease. Therefore, it has been classified as a Variant of Uncertain Significance.

NM_015459.5(ATL3):c.514T>C (p.Tyr172His)

Genes: ATL3 (atlastin GTPase 3; minus strand), LNCROPM (lncRNA regulator of PLAAT3 mediated phospholipid metabolism; plus strand). Cytogenetic location: 11q13.1.
Variant type: single nucleotide variant.
Coding change: c.514T>C on transcript NM_015459.5 (MANE Select); coding-DNA position 514, T replaced by C.
Protein change: p.Tyr172His; replaces tyrosine 172 with histidine.
Molecular consequence: missense variant.
Genome position (GRCh38, 1-based): chr11:63,651,983, A>G on the plus strand (T>C on the coding strand, the complement: ATL3 is on the minus strand). VCF-style: chr11-63651983-A-G. GRCh37 (hg19) VCF-style: chr11-63419455-A-G.
Other names: c.460T>C, p.Tyr154His (NM_001290048.2); short protein forms Y154H, Y172H.
Identifiers: ClinVar variation 1409290 (VCV001409290.8), dbSNP rs765020653, ClinGen allele CA6063762.